The following is an entry in ClinVar:

NM_001792.5(CDH2):c.1020+9A>G

Gene: CDH2 (cadherin 2; minus strand). Cytogenetic location: 18q12.1.
Variant type: single nucleotide variant.
Coding change: c.1020+9A>G on transcript NM_001792.5 (MANE Select); 9 bases into the intron after coding-DNA position 1020, A replaced by G.
Molecular consequence: intron variant.
Genome position (GRCh38, 1-based): chr18:28,002,988, T>C on the plus strand (A>G on the coding strand, the complement: CDH2 is on the minus strand). VCF-style: chr18-28002988-T-C. GRCh37 (hg19) VCF-style: chr18-25582952-T-C.
Other names: c.927+9A>G (NM_001308176.2); c.1020+9A>G (NM_001792.4).
Identifiers: ClinVar variation 1585237 (VCV001585237.10), dbSNP rs200385833, ClinGen allele CA8923552.

ClinVar aggregate classification (germline): Benign. Review status: criteria provided, single submitter (1 of 4 stars). 2 submissions from 2 submitters: Benign (1). 1 of the submissions does not count toward it. Last evaluated 2025-12-29.

Conditions:
CDH2-related disorder. Also called: CDH2-related condition.

Allele frequency attached by ClinVar (database versions not stated): ExAC 0.00012.
gnomAD v4.1: 48 of 1,611,996 alleles (0.003%); highest among the groups gnomAD compares: Admixed American, 0.08%; no homozygotes.

Submissions (2):

Labcorp Genetics (formerly Invitae), Labcorp
Classification: Benign. Last evaluated: 2025-12-29. Review status: criteria provided, single submitter. Criteria: Invitae Variant Classification Sherloc (09022015). Collection method: clinical testing. Allele origin: germline.

PreventionGenetics, part of Exact Sciences
Classification: Likely benign for CDH2-related condition. Last evaluated: 2019-06-26. Review status: no assertion criteria provided. Collection method: clinical testing. Allele origin: germline. Not counted in ClinVar's aggregate classification.
Comment: This variant is classified as likely benign based on ACMG/AMP sequence variant interpretation guidelines (Richards et al. 2015 PMID: 25741868, with internal and published modifications).